The following is an entry in ClinVar:

NM_004006.3(DMD):c.7096A>C (p.Lys2366Gln)

Gene: DMD (dystrophin; minus strand). Cytogenetic location: Xp21.1.
Variant type: single nucleotide variant.
Coding change: c.7096A>C on transcript NM_004006.3 (MANE Select); coding-DNA position 7096, A replaced by C.
Protein change: p.Lys2366Gln; replaces lysine 2366 with glutamine.
Molecular consequence: missense variant. On other transcripts: no sequence alteration (2), 5 prime UTR variant (5).
Genome position (GRCh38, 1-based): chrX:31,875,190, T>G on the plus strand (A>C on the coding strand, the complement: DMD is on the minus strand). VCF-style: chrX-31875190-T-G. GRCh37 (hg19) VCF-style: chrX-31893307-T-G.
Other names: c.7072A>C, p.Lys2358Gln (NM_000109.4); c.7084=, p.Gln2362= (NM_004009.3); c.6727=, p.Gln2243= (NM_004010.3); c.3073A>C, p.Lys1025Gln (NM_004011.4); c.3064A>C, p.Lys1022Gln (NM_004012.4); c.-285A>C (NM_004013.3, NM_004020.4, NM_004021.3 and 2 more transcripts); short protein forms K2366Q, K1022Q, K2358Q, K1025Q.
Identifiers: ClinVar variation 166706 (VCV000166706.38), dbSNP rs1800275, ClinGen allele CA179756.

ClinVar aggregate classification (germline): Benign. Review status: criteria provided, multiple submitters, no conflicts (2 of 4 stars). 10 submissions from 9 submitters: Benign (9). 1 of the submissions does not count toward it. Last evaluated 2026-02-04.

Conditions:
Becker muscular dystrophy (BMD). Also called: MUSCULAR DYSTROPHY, PSEUDOHYPERTROPHIC PROGRESSIVE, BECKER TYPE; Becker Muscular Dystrophy (BMD). Identifiers: Orphanet 98895, MedGen C0917713, MONDO:0010311, OMIM 300376.
Duchenne muscular dystrophy (DMD). Also called: MUSCULAR DYSTROPHY, PSEUDOHYPERTROPHIC PROGRESSIVE, DUCHENNE TYPE; Duchenne Muscular Dystrophy (DMD). Identifiers: Orphanet 98896, MedGen C0013264, MONDO:0010679, OMIM 310200.
Dystrophin deficiency.
Cardiomyopathy (CMYO). Also called: Cardiomyopathies. Identifiers: Orphanet 167848, MedGen C0878544, MONDO:0004994, HP:0001638. Inheritance: Various modes of inheritance.
Dilated cardiomyopathy 3B (CMD3B). Also called: CMD3B: DMD-Related Dilated Cardiomyopathy; CARDIOMYOPATHY, DILATED, X-LINKED; DMD-Associated Dilated Cardiomyopathy. Identifiers: Orphanet 154, MedGen C3668940, MONDO:0010542, OMIM 302045.

Allele frequency attached by ClinVar (database versions not stated): 1000 Genomes Project 0.18331; 1000 Genomes Project 30x 0.19063; ESP Exome Variant Server 0.20464; gnomAD 0.20889 and 0.21153; gnomAD exomes 0.21990 and 0.23359; TOPMed 0.23076; ExAC 0.27806.
gnomAD v4.1: 262,157 of 1,200,242 alleles (22%); highest among the groups gnomAD compares: Admixed American, 48%; 21,883 homozygotes.

Submissions (10):

Labcorp Genetics (formerly Invitae), Labcorp
Classification: Benign for Duchenne muscular dystrophy. Last evaluated: 2026-02-04. Review status: criteria provided, single submitter. Criteria: Invitae Variant Classification Sherloc (09022015). Collection method: clinical testing. Allele origin: germline.

ARUP Laboratories, Molecular Genetics and Genomics, ARUP Laboratories
Classification: Benign. Last evaluated: 2025-07-22. Review status: criteria provided, single submitter. Criteria: ARUP Molecular Germline Variant Investigation Process 2024. Collection method: clinical testing. Allele origin: germline.

Blueprint Genetics
Classification: Benign. Last evaluated: 2024-11-28. Review status: criteria provided, single submitter. Criteria: ACMG Guidelines, 2015. Collection method: clinical testing. Allele origin: germline.

Genome-Nilou Lab
Classification: Benign for Dilated cardiomyopathy 3B. Last evaluated: 2021-07-30. Review status: criteria provided, single submitter. Criteria: ACMG Guidelines, 2015. Collection method: clinical testing. Allele origin: germline. Affected: no.

Genome-Nilou Lab
Classification: Benign for Duchenne muscular dystrophy. Last evaluated: 2021-07-30. Review status: criteria provided, single submitter. Criteria: ACMG Guidelines, 2015. Collection method: clinical testing. Allele origin: germline. Affected: no.

Mendelics
Classification: Benign for Duchenne muscular dystrophy. Last evaluated: 2019-05-28. Review status: criteria provided, single submitter. Criteria: Mendelics Assertion Criteria 2017. Collection method: clinical testing. Allele origin: unknown.

Eurofins Ntd Llc (ga)
Classification: Benign. Last evaluated: 2015-02-20. Review status: criteria provided, single submitter. Criteria: EGL Classification Definitions 2015. Collection method: clinical testing. Allele origin: germline. Observed: 249 variant alleles, 103 heterozygotes, 27 homozygotes, 119 hemizygotes.

Laboratory for Molecular Medicine, Mass General Brigham Personalized Medicine
Classification: Benign. Last evaluated: 2014-11-26. Review status: criteria provided, single submitter. Criteria: LMM Criteria. Collection method: clinical testing. Allele origin: germline. Observed: 154 variant alleles.
Comment: This is a RefSeq error. The RefSeq base and residue are not consistent across bu ilds. The variant (c.7096C) represents the Alamut RefSeq base and minor allele. This allele (C) has been identified in 22% (1465/6727) of European American chro mosomes and 18% (696/3833) of African American chromosomes by the NHLBI Exome Se quencing Project (dbSNP rs1800275) and thus m eets criteria to be classified as benign.

Breakthrough Genomics
Classification: Benign. Review status: criteria provided, single submitter. Criteria: ACMG Guidelines, 2015. Collection method: not provided. Allele origin: germline. Inheritance: X-linked inheritance. Affected: yes.

Natera, Inc.
Classification: Benign for Becker muscular dystrophy; Cardiomyopathy; Duchenne muscular dystrophy; Dystrophin deficiency. Last evaluated: 2017-04-20. Review status: no assertion criteria provided. Collection method: clinical testing. Allele origin: germline. Not counted in ClinVar's aggregate classification.